The following is an entry in ClinVar:

ClinVar aggregate classification (germline): Uncertain significance (1 of 4 stars; one submission).

Conditions:
Familial adenomatous polyposis 1 (FAP1). Also called: FAMILIAL ADENOMATOUS POLYPOSIS 1, ATTENUATED; POLYPOSIS, ADENOMATOUS INTESTINAL. Identifiers: MedGen C2713442, MONDO:0021056, OMIM 175100. Disease mechanism: loss of function.

Allele frequency attached by ClinVar (database versions not stated): TOPMed below 0.00001.

Submission:

Labcorp Genetics (formerly Invitae), Labcorp
Classification: Uncertain significance for Familial adenomatous polyposis 1. Last evaluated: 2025-07-17. Review status: criteria provided, single submitter. Criteria: Invitae Variant Classification Sherloc (09022015). Collection method: clinical testing. Allele origin: germline.
Comment: This variant occurs in a non-coding region of the APC gene. It does not change the encoded amino acid sequence of the APC protein. This variant is not present in population databases (gnomAD no frequency). This variant has not been reported in the literature in individuals affected with APC-related conditions. ClinVar contains an entry for this variant (Variation ID: 537590). Experimental studies and prediction algorithms are not available or were not evaluated, and the functional significance of this variant is currently unknown. In summary, the available evidence is currently insufficient to determine the role of this variant in disease. Therefore, it has been classified as a Variant of Uncertain Significance.

NM_001127511.3(APC):c.155G>C (p.Ser52Thr)

Gene: APC (APC regulator of Wnt signaling pathway; plus strand). Cytogenetic location: 5q22.2.
Variant type: single nucleotide variant.
Coding change: c.155G>C on transcript NM_001127511.3; coding-DNA position 155, G replaced by C.
Protein change: p.Ser52Thr; replaces serine 52 with threonine.
Molecular consequence: missense variant. On other transcripts: 5 prime UTR variant (8), non-coding transcript variant (1), intron variant (5).
Genome position (GRCh38, 1-based): chr5:112,707,872, G>C. VCF-style: chr5-112707872-G-C. GRCh37 (hg19) VCF-style: chr5-112043569-G-C.
Other names: c.155G>C, p.Ser52Thr (NM_001354897.2, NM_001354902.2, NM_001407446.1); c.-29G>C (NM_001407447.1, NM_001407452.1, NM_001407456.1 and 3 more transcripts); c.-1064G>C (NM_001407470.1, NM_001407472.1); c.-19+223G>C (NM_001407448.1, NM_001407450.1, NM_001407457.1 and 1 more transcripts); c.-43+223G>C (NM_001407453.1); short protein forms S52T.
Identifiers: ClinVar variation 537590 (VCV000537590.9), dbSNP rs1554060317, ClinGen allele CA360612189.
Genomic context (GRCh38, chr5:112,707,872, plus strand): 5'-GCTGCGTCCGGCAGGAGACGAAGAGCCCGGGCGGCGCTCGTACTTCTGGCCACTGGGCGA[G>C]CGTCTGGCAGGTGAGTGAGGCTGCAGGCATTGACGTCTCCTCCCGGCAAAGCTTCCTCGG-3'